The following is an entry in ClinVar:

ClinVar aggregate classification (germline): Uncertain significance (1 of 4 stars; one submission).

Conditions:
Combined immunodeficiency due to LRBA deficiency. Also called: Common variable immunodeficiency 8, with autoimmunity. Identifiers: Orphanet 445018, MedGen C3553512, MONDO:0013863, OMIM 614700.

gnomAD v4.1: 1 of 1,607,460 alleles (0.000062%); highest among the groups gnomAD compares: Non-Finnish European, 0.000085%; no homozygotes.

Submission:

Labcorp Genetics (formerly Invitae), Labcorp
Classification: Uncertain significance for Combined immunodeficiency due to LRBA deficiency. Last evaluated: 2025-08-15. Review status: criteria provided, single submitter. Criteria: Invitae Variant Classification Sherloc (09022015). Collection method: clinical testing. Allele origin: germline.
Comment: This sequence change replaces arginine, which is basic and polar, with serine, which is neutral and polar, at codon 718 of the LRBA protein (p.Arg718Ser). This variant is not present in population databases (gnomAD no frequency). This variant has not been reported in the literature in individuals affected with LRBA-related conditions. Invitae Evidence Modeling of protein sequence and biophysical properties (such as structural, functional, and spatial information, amino acid conservation, physicochemical variation, residue mobility, and thermodynamic stability) indicates that this missense variant is expected to disrupt LRBA protein function with a positive predictive value of 80%. In summary, the available evidence is currently insufficient to determine the role of this variant in disease. Therefore, it has been classified as a Variant of Uncertain Significance.

NM_001364905.1(LRBA):c.2154G>T (p.Arg718Ser)

Gene: LRBA (LPS responsive beige-like anchor protein; minus strand). Cytogenetic location: 4q31.3.
Variant type: single nucleotide variant.
Coding change: c.2154G>T on transcript NM_001364905.1 (MANE Select); coding-DNA position 2154, G replaced by T.
Protein change: p.Arg718Ser; replaces arginine 718 with serine.
Molecular consequence: missense variant.
Genome position (GRCh38, 1-based): chr4:150,893,063, C>A on the plus strand (G>T on the coding strand, the complement: LRBA is on the minus strand). VCF-style: chr4-150893063-C-A. GRCh37 (hg19) VCF-style: chr4-151814215-C-A.
Other names: c.2154G>T, p.Arg718Ser (NM_001199282.3, NM_001367550.1, NM_001440430.1 and 2 more transcripts); short protein forms R718S.
Identifiers: ClinVar variation 4738609 (VCV004738609.1).
Genomic context (GRCh38, chr4:150,893,063, plus strand): 5'-AAATATTTCCAAACTAATCCCTTATATGAAATAGATTAAAAACTCTTACCGTAACCCATT[C>A]CTTTGGTCAAAAGCAGGAATCATAGAGTTAGGGTGTTCTGACATTAATGCAACAAGCAGC-3'
Protein context (NP_001351834.1, residues 708-728): PNSMIPAFDQ[Arg718Ser]NGLRVIYKLL